The following is an entry in ClinVar:

ClinVar aggregate classification (germline): Uncertain significance (1 of 4 stars; one submission).

Conditions:
Long QT syndrome (LQTS). Identifiers: MedGen C0023976, MeSH D008133, MONDO:0002442. Disease mechanism: loss of function. Inheritance: Various modes of inheritance.

Submission:

All of Us Research Program, National Institutes of Health
Classification: Uncertain significance for Long QT syndrome. Last evaluated: 2023-12-13. Review status: criteria provided, single submitter. Criteria: ACMG Guidelines, 2015. Collection method: clinical testing. Allele origin: germline. Inheritance: Autosomal dominant inheritance. Observed: 2 variant alleles, 2 heterozygotes.
Comment: This missense variant replaces glutamine with arginine at codon 81 of the KCNH2 protein. Computational prediction is inconclusive regarding the impact of this variant on protein structure and function (internally defined REVEL score threshold 0.5 < inconclusive < 0.7, PMID: 27666373). To our knowledge, functional studies have not been reported for this variant. This variant has not been reported in individuals affected with KCNH2-related disorders in the literature. This variant has not been identified in the general population by the Genome Aggregation Database (gnomAD). The available evidence is insufficient to determine the role of this variant in disease conclusively. Therefore, this variant is classified as a Variant of Uncertain Significance.

This study involves interpretation of variants in research participants for the purpose of population health screening. Participant phenotype was not available at the time of variant classification. Additional details can be found in publication PMID: 35346344, PMCID: PMC8962531

NM_000238.4(KCNH2):c.242A>G (p.Gln81Arg)

Gene: KCNH2 (potassium voltage-gated channel subfamily H member 2; minus strand). Cytogenetic location: 7q36.1.
Variant type: single nucleotide variant.
Coding change: c.242A>G on transcript NM_000238.4 (MANE Select); coding-DNA position 242, A replaced by G.
Protein change: p.Gln81Arg; replaces glutamine 81 with arginine.
Molecular consequence: missense variant. On other transcripts: non-coding transcript variant (1).
Genome position (GRCh38, 1-based): chr7:150,974,776, T>C on the plus strand (A>G on the coding strand, the complement: KCNH2 is on the minus strand). VCF-style: chr7-150974776-T-C. GRCh37 (hg19) VCF-style: chr7-150671864-T-C.
Other names: c.65A>G, p.Gln22Arg (NM_001406755.1); c.242A>G, p.Gln81Arg (NM_172056.3); short protein forms Q22R, Q81R.
Identifiers: ClinVar variation 3069910 (VCV003069910.1), dbSNP rs2486155673, ClinGen allele CA369865498.